The following is an entry in ClinVar:

ClinVar aggregate classification (germline): Pathogenic (1 of 4 stars; one submission).

Submission:

Labcorp Genetics (formerly Invitae), Labcorp
Classification: Pathogenic. Last evaluated: 2025-05-12. Review status: criteria provided, single submitter. Criteria: Invitae Variant Classification Sherloc (09022015). Collection method: clinical testing. Allele origin: germline.
Comment: This sequence change creates a premature translational stop signal (p.Leu687Profs*7) in the CDH3 gene. It is expected to result in an absent or disrupted protein product. Loss-of-function variants in CDH3 are known to be pathogenic (PMID: 15805154, 27386845, 29620724). This variant is not present in population databases (gnomAD no frequency). This variant has not been reported in the literature in individuals affected with CDH3-related conditions. ClinVar contains an entry for this variant (Variation ID: 850589). For these reasons, this variant has been classified as Pathogenic.

Literature cited by the submitters: PubMed 15805154; PubMed 27386845; PubMed 29620724.

NM_001793.6(CDH3):c.2059dup (p.Leu687fs)

Gene: CDH3 (cadherin 3; plus strand). Cytogenetic location: 16q22.1.
Variant type: Duplication.
Coding change: c.2059dup on transcript NM_001793.6 (MANE Select); coding-DNA position 2059, one base duplicated (C; older notation c.2059dupC).
Protein change: p.Leu687fs; shifts the reading frame from leucine 687.
Molecular consequence: frameshift variant.
Genome position (GRCh38, 1-based): chr16:68,695,311, C duplicated; the last of 4 consecutive C bases (chr16:68,695,308-68,695,311); duplicating any one gives the same sequence. VCF-style (leftmost placement, unchanged base first): chr16-68695307-G-GC. GRCh37 (hg19) VCF-style: chr16-68729210-G-GC.
Other names: c.2059dup, p.Leu687fs (NM_001317195.3); c.1894dup, p.Leu632fs (NM_001317196.2); short protein forms L687fs, L632fs.
Identifiers: ClinVar variation 850589 (VCV000850589.7), dbSNP rs1961686856, ClinGen allele CA916083497.